The following is an entry in ClinVar:

ClinVar aggregate classification (germline): Uncertain significance. Review status: criteria provided, multiple submitters, no conflicts (2 of 4 stars). 2 submissions from 2 submitters: Uncertain significance (2). Last evaluated 2025-08-24.

Conditions:
Hereditary cancer-predisposing syndrome. Also called: Tumor predisposition; Hereditary neoplastic syndrome; Hereditary Cancer Syndrome; Neoplastic Syndromes, Hereditary. Identifiers: Orphanet 140162, MedGen C0027672, MeSH D009386, MONDO:0015356.
Neuroblastoma, susceptibility to, 3. Also called: ALK-Related Neuroblastic Tumor Susceptibility. Identifiers: Orphanet 635, MedGen C2751681, MONDO:0013083, OMIM 613014.

Allele frequency attached by ClinVar (database versions not stated): TOPMed below 0.00001.

Submissions (2):

Labcorp Genetics (formerly Invitae), Labcorp
Classification: Uncertain significance for Neuroblastoma, susceptibility to, 3. Last evaluated: 2025-08-24. Review status: criteria provided, single submitter. Criteria: Invitae Variant Classification Sherloc (09022015). Collection method: clinical testing. Allele origin: germline.
Comment: This sequence change replaces threonine, which is neutral and polar, with arginine, which is basic and polar, at codon 1512 of the ALK protein (p.Thr1512Arg). This variant is not present in population databases (gnomAD no frequency). This variant has not been reported in the literature in individuals affected with ALK-related conditions. ClinVar contains an entry for this variant (Variation ID: 1449726). An algorithm developed to predict the effect of missense changes on protein structure and function (PolyPhen-2) suggests that this variant is likely to be tolerated. In summary, the available evidence is currently insufficient to determine the role of this variant in disease. Therefore, it has been classified as a Variant of Uncertain Significance.

Ambry Genetics
Classification: Uncertain significance for Hereditary cancer-predisposing syndrome. Last evaluated: 2025-03-31. Review status: criteria provided, single submitter. Criteria: Ambry Variant Classification Scheme 2023. Collection method: clinical testing. Allele origin: germline.
Comment: The p.T1512R variant (also known as c.4535C>G), located in coding exon 29 of the ALK gene, results from a C to G substitution at nucleotide position 4535. The threonine at codon 1512 is replaced by arginine, an amino acid with similar properties. This amino acid position is conserved. In addition, this alteration is predicted to be tolerated by in silico analysis. Since supporting evidence is limited at this time, the clinical significance of this alteration remains unclear.

NM_004304.5(ALK):c.4535C>G (p.Thr1512Arg)

Gene: ALK (ALK receptor tyrosine kinase; minus strand). Cytogenetic location: 2p23.2.
Variant type: single nucleotide variant.
Coding change: c.4535C>G on transcript NM_004304.5 (MANE Select); coding-DNA position 4535, C replaced by G.
Protein change: p.Thr1512Arg; replaces threonine 1512 with arginine.
Molecular consequence: missense variant.
Genome position (GRCh38, 1-based): chr2:29,193,552, G>C on the plus strand (C>G on the coding strand, the complement: ALK is on the minus strand). VCF-style: chr2-29193552-G-C. GRCh37 (hg19) VCF-style: chr2-29416418-G-C.
Other names: c.1331C>G, p.Thr444Arg (NM_001353765.2); short protein forms T444R, T1512R.
Identifiers: ClinVar variation 1449726 (VCV001449726.11), dbSNP rs75681494, ClinGen allele CA346460937.